The following is an entry in ClinVar:

ClinVar aggregate classification (germline): Uncertain significance (1 of 4 stars; one submission).

Conditions:
Camptomelic dysplasia (CMPD). Also called: CMPD1/SRA1; Campomelic Dysplasia. Identifiers: Orphanet 140, MedGen C1861922, MONDO:0007251, OMIM 114290.

gnomAD v4.1: 5 of 1,613,644 alleles (0.00031%); highest among the groups gnomAD compares: African/African-American, 0.0013%; no homozygotes.

Submission:

Labcorp Genetics (formerly Invitae), Labcorp
Classification: Uncertain significance for Camptomelic dysplasia. Last evaluated: 2023-12-13. Review status: criteria provided, single submitter. Criteria: Invitae Variant Classification Sherloc (09022015). Collection method: clinical testing. Allele origin: germline.
Comment: This sequence change replaces threonine, which is neutral and polar, with serine, which is neutral and polar, at codon 465 of the SOX9 protein (p.Thr465Ser). This variant is not present in population databases (gnomAD no frequency). This variant has not been reported in the literature in individuals affected with SOX9-related conditions. An algorithm developed to predict the effect of missense changes on protein structure and function (PolyPhen-2) suggests that this variant is likely to be tolerated. In summary, the available evidence is currently insufficient to determine the role of this variant in disease. Therefore, it has been classified as a Variant of Uncertain Significance.

NM_000346.4(SOX9):c.1394C>G (p.Thr465Ser)

Gene: SOX9 (SRY-box transcription factor 9; plus strand). Cytogenetic location: 17q24.3.
Variant type: single nucleotide variant.
Coding change: c.1394C>G on transcript NM_000346.4 (MANE Select); coding-DNA position 1394, C replaced by G.
Protein change: p.Thr465Ser; replaces threonine 465 with serine.
Molecular consequence: missense variant.
Genome position (GRCh38, 1-based): chr17:72,124,251, C>G. VCF-style: chr17-72124251-C-G. GRCh37 (hg19) VCF-style: chr17-70120392-C-G.
Other names: short protein forms T465S.
Identifiers: ClinVar variation 2911514 (VCV002911514.3), dbSNP rs2143257582, ClinGen allele CA400868356.